The following is an entry in ClinVar:

ClinVar aggregate classification (germline): Uncertain significance (1 of 4 stars; one submission).

Submission:

Ambry Genetics
Classification: Uncertain significance. Last evaluated: 2026-02-21. Review status: criteria provided, single submitter. Criteria: Ambry Variant Classification Scheme 2023. Collection method: clinical testing. Allele origin: germline.
Comment: The p.P329L variant (also known as c.986C>T), located in coding exon 9 of the RAD51B gene, results from a C to T substitution at nucleotide position 986. The proline at codon 329 is replaced by leucine, an amino acid with similar properties. This amino acid position is conserved. In addition, the in silico prediction for this alteration is inconclusive. Based on the available evidence, the clinical significance of this variant remains unclear.

NM_133510.4(RAD51B):c.986C>T (p.Pro329Leu)

Gene: RAD51B (RAD51 paralog B; plus strand). Cytogenetic location: 14q24.1.
Variant type: single nucleotide variant.
Coding change: c.986C>T on transcript NM_133510.4 (MANE Select); coding-DNA position 986, C replaced by T.
Protein change: p.Pro329Leu; replaces proline 329 with leucine.
Molecular consequence: missense variant.
Genome position (GRCh38, 1-based): chr14:68,468,200, C>T. VCF-style: chr14-68468200-C-T. GRCh37 (hg19) VCF-style: chr14-68934917-C-T.
Other names: c.986C>T, p.Pro329Leu (NM_001321809.2, NM_001321810.2, NM_001321812.1 and 6 more transcripts); c.872C>T, p.Pro291Leu (NM_001321815.1); c.629C>T, p.Pro210Leu (NM_001321817.2); short protein forms P210L, P291L, P329L.
Identifiers: ClinVar variation 4824264 (VCV004824264.1).